The following is an entry in ClinVar:

ClinVar aggregate classification (germline): Conflicting classifications of pathogenicity. Review status: criteria provided, conflicting classifications (1 of 4 stars). 3 submissions from 3 submitters: Uncertain significance (1); Likely benign (2). Last evaluated 2026-05-01.

Conditions:
Familial temporal lobe epilepsy 7. Identifiers: Orphanet 101046, MedGen C4225327, MONDO:0014639, OMIM 616436.
Norman-Roberts syndrome (LIS2). Also called: Lissencephaly 2 (Norman-Roberts type). Identifiers: Orphanet 89844, MedGen C0796089, MONDO:0009760, OMIM 257320.

Allele frequency attached by ClinVar (database versions not stated): gnomAD 0.00001; ExAC 0.00002; gnomAD exomes 0.00002; TOPMed 0.00002.
gnomAD v4.1: 39 of 1,613,802 alleles (0.0024%); highest among the groups gnomAD compares: South Asian, 0.012%; no homozygotes.

Submissions (3):

CeGaT Center for Human Genetics Tuebingen
Classification: Likely benign. Last evaluated: 2026-05-01. Review status: criteria provided, single submitter. Criteria: CeGaT Center For Human Genetics Tuebingen Variant Classification Criteria Version 2. Collection method: clinical testing. Allele origin: germline. Affected: yes. Observed: 1 variant allele.
Comment: RELN: BP4, BP7

Labcorp Genetics (formerly Invitae), Labcorp
Classification: Likely benign for Familial temporal lobe epilepsy 7; Norman-Roberts syndrome. Last evaluated: 2024-05-29. Review status: criteria provided, single submitter. Criteria: Invitae Variant Classification Sherloc (09022015). Collection method: clinical testing. Allele origin: germline.

Eurofins Ntd Llc (ga)
Classification: Uncertain significance. Last evaluated: 2015-07-02. Review status: criteria provided, single submitter. Criteria: EGL Classification Definitions 2015. Collection method: clinical testing. Allele origin: germline. Observed: 1 variant allele, 1 heterozygote.

NM_005045.4(RELN):c.5418C>T (p.Asp1806=)

Gene: RELN (reelin; minus strand). Cytogenetic location: 7q22.1.
Variant type: single nucleotide variant.
Coding change: c.5418C>T on transcript NM_005045.4 (MANE Select); coding-DNA position 5418, C replaced by T.
Protein change: p.Asp1806=; no amino-acid change (aspartic acid 1806 retained).
Molecular consequence: synonymous variant.
Genome position (GRCh38, 1-based): chr7:103,561,643, G>A on the plus strand (C>T on the coding strand, the complement: RELN is on the minus strand). VCF-style: chr7-103561643-G-A. GRCh37 (hg19) VCF-style: chr7-103202090-G-A.
Other names: c.5418C>T, p.Asp1806= (NM_173054.3).
Identifiers: ClinVar variation 281580 (VCV000281580.16), dbSNP rs746613525, ClinGen allele CA4421208.